The following is an entry in ClinVar:

NM_177438.3(DICER1):c.2853C>G (p.Tyr951Ter)

Gene: DICER1 (dicer 1, ribonuclease III; minus strand). Cytogenetic location: 14q32.13.
Variant type: single nucleotide variant.
Coding change: c.2853C>G on transcript NM_177438.3 (MANE Select); coding-DNA position 2853, C replaced by G.
Protein change: p.Tyr951Ter; replaces tyrosine 951 with a stop codon.
Molecular consequence: nonsense.
Genome position (GRCh38, 1-based): chr14:95,106,175, G>C on the plus strand (C>G on the coding strand, the complement: DICER1 is on the minus strand). VCF-style: chr14-95106175-G-C. GRCh37 (hg19) VCF-style: chr14-95572512-G-C.
Other names: c.2853C>G, p.Tyr951Ter (NM_001195573.1, NM_001271282.3, NM_001291628.2 and 1 more transcripts); short protein forms Y951*.
Identifiers: ClinVar variation 1070440 (VCV001070440.10), dbSNP rs1891407915, ClinGen allele CA390879153.
Genomic context (GRCh38, chr14:95,106,175, plus strand): 5'-ATATTCTGCAAAAGTTTCATACTCAGGGGAAGGAAATTTACTGAGTGGGGTAAGATCAGT[G>C]TACACATCAGCTACATAAAATCGATGAGGCTGATCAAAATTGCGATATCTAAAAAAGAAA-3'

ClinVar aggregate classification (germline): Pathogenic (1 of 4 stars; one submission).

Conditions:
DICER1-related tumor predisposition. Also called: DICER1-related pleuropulmonary blastoma cancer predisposition syndrome; DICER1 syndrome. Identifiers: Orphanet 284343, MedGen C3839822, MONDO:0100216.

Submission:

Labcorp Genetics (formerly Invitae), Labcorp
Classification: Pathogenic for DICER1-related tumor predisposition. Last evaluated: 2020-05-30. Review status: criteria provided, single submitter. Criteria: Invitae Variant Classification Sherloc (09022015). Collection method: clinical testing. Allele origin: germline.
Comment: This sequence change creates a premature translational stop signal (p.Tyr951*) in the DICER1 gene. It is expected to result in an absent or disrupted protein product. This variant is not present in population databases (ExAC no frequency). This variant has not been reported in the literature in individuals with DICER1-related conditions. Loss-of-function variants in DICER1 are known to be pathogenic (PMID: 19556464, 21266384). For these reasons, this variant has been classified as Pathogenic.

Literature cited by the submitters: PubMed 19556464; PubMed 21266384.